The following is an entry in ClinVar:

NM_012156.2(EPB41L1):c.1714C>T (p.Arg572Cys)

Gene: EPB41L1 (erythrocyte membrane protein band 4.1 like 1; plus strand). Cytogenetic location: 20q11.23.
Variant type: single nucleotide variant.
Coding change: c.1714C>T on transcript NM_012156.2 (MANE Select); coding-DNA position 1714, C replaced by T.
Protein change: p.Arg572Cys; replaces arginine 572 with cysteine.
Molecular consequence: missense variant. On other transcripts: intron variant (20).
Genome position (GRCh38, 1-based): chr20:36,209,533, C>T. VCF-style: chr20-36209533-C-T. GRCh37 (hg19) VCF-style: chr20-34797455-C-T.
Other names: c.1714C>T, p.Arg572Cys (NM_001258329.1, NM_001424397.1); c.1492C>T, p.Arg498Cys (NM_001258331.2, NM_001424390.1, NM_001424393.1 and 4 more transcripts); c.1489C>T, p.Arg497Cys (NM_001424389.1, NM_001424391.1, NM_001424392.1); c.1675C>T, p.Arg559Cys (NM_001424395.1, NM_001424398.1, NM_001424399.1); c.1678C>T, p.Arg560Cys (NM_001424396.1, NM_001424400.1, NM_001424401.1); c.1711C>T, p.Arg571Cys (NM_001424402.1); c.1540-2739C>T (NM_001258330.1); c.1447-2739C>T (NM_001424405.1, NM_001424404.1, NM_001424403.1 and 4 more transcripts); and 5 more; short protein forms R497C, R498C, R559C, R560C, R571C, R572C.
Identifiers: ClinVar variation 2652296 (VCV002652296.24), dbSNP rs113352451, ClinGen allele CA9840086.
Genomic context (GRCh38, chr20:36,209,533, plus strand): 5'-TTTATCTGGCCATAGAGAGCAGGGCTGAGGGAGGGCTCCGAGGAGAAAGTCAAACCACCA[C>T]GTCCCCGGGCCCCAGAGAGTGACACAGGCGATGAGGACCAGGACCAGGAGAGGGACACGG-3'
Protein context (NP_036288.2, residues 562-582): EGSEEKVKPP[Arg572Cys]PRAPESDTGD

ClinVar aggregate classification (germline): Benign (1 of 4 stars; one submission).

Allele frequency attached by ClinVar (database versions not stated): gnomAD 0.00006; gnomAD exomes 0.00013; TOPMed 0.00013; 1000 Genomes Project 0.00020; ExAC 0.00020; 1000 Genomes Project 30x 0.00031.
gnomAD v4.1: 203 of 1,614,064 alleles (0.013%); highest among the groups gnomAD compares: East Asian, 0.39%; no homozygotes.

Submission:

CeGaT Center for Human Genetics Tuebingen
Classification: Benign. Last evaluated: 2022-03-01. Review status: criteria provided, single submitter. Criteria: CeGaT Center For Human Genetics Tuebingen Variant Classification Criteria Version 2. Collection method: clinical testing. Allele origin: germline. Affected: yes. Observed: 1 variant allele.
Comment: EPB41L1: BS1, BS2